The following is an entry in ClinVar:

ClinVar aggregate classification (germline): Uncertain significance. Review status: criteria provided, multiple submitters, no conflicts (2 of 4 stars). 2 submissions from 2 submitters: Uncertain significance (2). Last evaluated 2026-04-10.

Conditions:
Cardiovascular phenotype. Identifiers: MedGen CN230736.
Hereditary cancer-predisposing syndrome. Also called: Hereditary neoplastic syndrome; Neoplastic Syndromes, Hereditary; Tumor predisposition; Hereditary Cancer Syndrome. Identifiers: Orphanet 140162, MedGen C0027672, MeSH D009386, MONDO:0015356.

Allele frequency attached by ClinVar (database versions not stated): gnomAD exomes below 0.00001.
gnomAD v4.1: 1 of 1,613,600 alleles (0.000062%); highest among the groups gnomAD compares: Non-Finnish European, 0.000085%; no homozygotes.

Submissions (2):

Ambry Genetics
Classification: Uncertain significance for Cardiovascular phenotype; Hereditary cancer-predisposing syndrome. Last evaluated: 2026-04-10. Review status: criteria provided, single submitter. Criteria: Ambry Variant Classification Scheme 2023. Collection method: clinical testing. Allele origin: germline.
Comment: The p.L429P variant (also known as c.1286T>C), located in coding exon 12 of the LZTR1 gene, results from a T to C substitution at nucleotide position 1286. The leucine at codon 429 is replaced by proline, an amino acid with similar properties. This amino acid position is conserved. In addition, this alteration is predicted to be deleterious by in silico analysis. Based on the available evidence, the clinical significance of this variant remains unclear.

Labcorp Genetics (formerly Invitae), Labcorp
Classification: Uncertain significance. Last evaluated: 2024-05-01. Review status: criteria provided, single submitter. Criteria: Invitae Variant Classification Sherloc (09022015). Collection method: clinical testing. Allele origin: germline.
Comment: This sequence change replaces leucine, which is neutral and non-polar, with proline, which is neutral and non-polar, at codon 429 of the LZTR1 protein (p.Leu429Pro). This variant is not present in population databases (gnomAD no frequency). This variant has not been reported in the literature in individuals affected with LZTR1-related conditions. ClinVar contains an entry for this variant (Variation ID: 1021889). Advanced modeling of protein sequence and biophysical properties (such as structural, functional, and spatial information, amino acid conservation, physicochemical variation, residue mobility, and thermodynamic stability) performed at Invitae indicates that this missense variant is not expected to disrupt LZTR1 protein function with a negative predictive value of 80%. In summary, the available evidence is currently insufficient to determine the role of this variant in disease. Therefore, it has been classified as a Variant of Uncertain Significance.

NM_006767.4(LZTR1):c.1286T>C (p.Leu429Pro)

Gene: LZTR1 (leucine zipper like post translational regulator 1; plus strand). Cytogenetic location: 22q11.21.
Variant type: single nucleotide variant.
Coding change: c.1286T>C on transcript NM_006767.4 (MANE Select); coding-DNA position 1286, T replaced by C.
Protein change: p.Leu429Pro; replaces leucine 429 with proline.
Molecular consequence: missense variant.
Genome position (GRCh38, 1-based): chr22:20,993,687, T>C. VCF-style: chr22-20993687-T-C. GRCh37 (hg19) VCF-style: chr22-21347976-T-C.
Other names: c.1286T>C (NM_006767.3); short protein forms L429P.
Identifiers: ClinVar variation 1021889 (VCV001021889.10), dbSNP rs1924685710, ClinGen allele CA410774389.